The following is an entry in ClinVar:

NM_014000.3(VCL):c.1621C>G (p.Leu541Val)

Gene: VCL (vinculin; plus strand). Cytogenetic location: 10q22.2.
Variant type: single nucleotide variant.
Coding change: c.1621C>G on transcript NM_014000.3 (MANE Select); coding-DNA position 1621, C replaced by G.
Protein change: p.Leu541Val; replaces leucine 541 with valine.
Molecular consequence: missense variant.
Genome position (GRCh38, 1-based): chr10:74,095,733, C>G. VCF-style: chr10-74095733-C-G. GRCh37 (hg19) VCF-style: chr10-75855491-C-G.
Other names: c.1621C>G, p.Leu541Val (NM_003373.4); short protein forms L541V.
Identifiers: ClinVar variation 263345 (VCV000263345.33), dbSNP rs370229150, ClinGen allele CA5563046.

ClinVar aggregate classification (germline): Conflicting classifications of pathogenicity. Review status: criteria provided, conflicting classifications (1 of 4 stars). 8 submissions from 8 submitters: Uncertain significance (7); Likely benign (1). Last evaluated 2026-01-28.

Conditions:
Cardiovascular phenotype. Identifiers: MedGen CN230736.
Dilated cardiomyopathy 1W (CMD1W). Identifiers: Orphanet 154, MedGen C1969639, MONDO:0012667, OMIM 611407.
Hypertrophic cardiomyopathy 15. Identifiers: MedGen C2750459, MONDO:0013200, OMIM 613255.
Cardiomyopathy (CMYO). Also called: Cardiomyopathies. Identifiers: Orphanet 167848, MedGen C0878544, MONDO:0004994, HP:0001638. Inheritance: Various modes of inheritance.

Allele frequency attached by ClinVar (database versions not stated): gnomAD exomes 0.00007; gnomAD 0.00008 and 0.00009; TOPMed 0.00008; ExAC 0.00009; ESP Exome Variant Server 0.00023.
gnomAD v4.1: 111 of 1,614,218 alleles (0.0069%); highest among the groups gnomAD compares: Non-Finnish European, 0.0081%; no homozygotes.

Submissions (8):

Labcorp Genetics (formerly Invitae), Labcorp
Classification: Uncertain significance for Dilated cardiomyopathy 1W. Last evaluated: 2026-01-28. Review status: criteria provided, single submitter. Criteria: Invitae Variant Classification Sherloc (09022015). Collection method: clinical testing. Allele origin: germline.
Comment: This sequence change replaces leucine, which is neutral and non-polar, with valine, which is neutral and non-polar, at codon 541 of the VCL protein (p.Leu541Val). This variant is present in population databases (rs370229150, gnomAD 0.01%). This missense change has been observed in individual(s) with hypertrophic cardiomyopathy (HCM) (PMID: 25351510). ClinVar contains an entry for this variant (Variation ID: 263345). An algorithm developed to predict the effect of missense changes on protein structure and function (PolyPhen-2) suggests that this variant is likely to be tolerated. In summary, the available evidence is currently insufficient to determine the role of this variant in disease. Therefore, it has been classified as a Variant of Uncertain Significance.

Ambry Genetics
Classification: Uncertain significance for Cardiovascular phenotype. Last evaluated: 2025-10-23. Review status: criteria provided, single submitter. Criteria: Ambry Variant Classification Scheme 2023. Collection method: clinical testing. Allele origin: germline.
Comment: The p.L541V variant (also known as c.1621C>G), located in coding exon 12 of the VCL gene, results from a C to G substitution at nucleotide position 1621. The leucine at codon 541 is replaced by valine, an amino acid with highly similar properties. This variant has been detected in a hypertrophic cardiomyopathy cohort; however, clinical details were limited (Lopes LR et al. Heart. 2015;101(4):294-301). This amino acid position is highly conserved in available vertebrate species. In addition, the in silico prediction for this alteration is inconclusive. Since supporting evidence is limited at this time, the clinical significance of this alteration remains unclear.

Molecular Diagnostic Laboratory for Inherited Cardiovascular Disease, Montreal Heart Institute
Classification: Uncertain significance for Cardiovascular phenotype. Last evaluated: 2025-04-08. Review status: criteria provided, single submitter. Criteria: ACMG Guidelines, 2015. Collection method: clinical testing. Allele origin: germline. Affected: yes.

Blueprint Genetics
Classification: Likely benign. Last evaluated: 2024-09-07. Review status: criteria provided, single submitter. Criteria: ACMG Guidelines, 2015. Collection method: clinical testing. Allele origin: germline.

GeneDx
Classification: Uncertain significance. Last evaluated: 2023-02-24. Review status: criteria provided, single submitter. Criteria: GeneDx Variant Classification Process June 2021. Collection method: clinical testing. Allele origin: germline. Affected: yes.
Comment: Reported in patients with HCM in published literature (Lopes et al., 2015; Walsh et al., 2017); In silico analysis supports that this missense variant does not alter protein structure/function; This variant is associated with the following publications: (PMID: 28082330, 25351510)

Fulgent Genetics
Classification: Uncertain significance for Dilated cardiomyopathy 1W; Hypertrophic cardiomyopathy 15. Last evaluated: 2021-10-28. Review status: criteria provided, single submitter. Criteria: ACMG Guidelines, 2015. Collection method: clinical testing. Allele origin: unknown.

ARUP Laboratories, Molecular Genetics and Genomics, ARUP Laboratories
Classification: Uncertain significance. Last evaluated: 2018-11-13. Review status: criteria provided, single submitter. Criteria: ARUP Molecular Germline Variant Investigation Process. Collection method: clinical testing. Allele origin: germline.
Comment: The VCL c.1621C>G; p.Leu541Val variant (rs370229150) is reported in the literature in a cohort of individuals affected with hypertrophic cardiomyopathy (Lopes 2015). This variant is reported in ClinVar (Variation ID: 263345) and is found in the non-Finnish European population with an overall allele frequency of 0.01% (17/126714 alleles) in the Genome Aggregation Database. The leucine at codon 541 is highly conserved, but computational analyses (SIFT, PolyPhen-2) predict that this variant is tolerated. However, given the lack of clinical and functional data, the significance of the p.Leu541Val variant is uncertain at this time. References: Lopes LR et al. Novel genotype-phenotype associations demonstrated by high-throughput sequencing in patients with hypertrophic cardiomyopathy. Heart. 2015 Feb;101(4):294-301.

CHEO Genetics Diagnostic Laboratory, Children's Hospital of Eastern Ontario
Classification: Uncertain significance for Cardiomyopathy. Last evaluated: 2017-02-27. Review status: criteria provided, single submitter. Criteria: ACMG Guidelines, 2015. Collection method: clinical testing. Allele origin: germline. Study: Canadian Open Genetics Repository.

Literature cited by the submitters: PubMed 25351510 (cited by Labcorp Genetics (formerly Invitae), Labcorp and Ambry Genetics).